The following is an entry in ClinVar:

ClinVar aggregate classification (germline): Uncertain significance (1 of 4 stars; one submission).

Conditions:
Glycogen storage disease XV (GSD15). Also called: GLYCOGENIN DEFICIENCY; GSD XV. Identifiers: Orphanet 263297, MedGen C3150754, MONDO:0013291, OMIM 613507.
Polyglucosan body myopathy type 2. Identifiers: Orphanet 456369, MedGen C4015452, MONDO:0014526, OMIM 616199.

Allele frequency attached by ClinVar (database versions not stated): gnomAD 0.00001; gnomAD exomes 0.00001.

Submission:

Labcorp Genetics (formerly Invitae), Labcorp
Classification: Uncertain significance for Polyglucosan body myopathy type 2; Glycogen storage disease XV. Last evaluated: 2022-10-13. Review status: criteria provided, single submitter. Criteria: Invitae Variant Classification Sherloc (09022015). Collection method: clinical testing. Allele origin: germline.
Comment: In summary, the available evidence is currently insufficient to determine the role of this variant in disease. Therefore, it has been classified as a Variant of Uncertain Significance. Experimental studies and prediction algorithms are not available or were not evaluated, and the functional significance of this variant is currently unknown. ClinVar contains an entry for this variant (Variation ID: 1508529). Disruption of the initiator codon has been observed in individual(s) with GYG1-related conditions (PMID: 27544502). This variant is present in population databases (no rsID available, gnomAD 0.002%). This sequence change affects the initiator methionine of the GYG1 mRNA. The next in-frame methionine is located at codon 47.

Literature cited by the submitters: PubMed 27544502.

NM_004130.4(GYG1):c.2T>A (p.Met1Lys)

Genes: GYG1 (glycogenin 1; plus strand), LOC129937737 (ATAC-STARR-seq lymphoblastoid silent region 14802; plus strand). Cytogenetic location: 3q24.
Variant type: single nucleotide variant.
Coding change: c.2T>A on transcript NM_004130.4 (MANE Select); coding-DNA position 2, T replaced by A.
Protein change: p.Met1Lys; changes the start codon (methionine 1).
Molecular consequence: missense variant, initiator codon variant.
Genome position (GRCh38, 1-based): chr3:148,991,642, T>A. VCF-style: chr3-148991642-T-A. GRCh37 (hg19) VCF-style: chr3-148709429-T-A.
Other names: c.2T>A, p.Met1Lys (NM_001184720.2, NM_001184721.2); short protein forms M1K.
Identifiers: ClinVar variation 1508529 (VCV001508529.6), dbSNP rs1176650262, ClinGen allele CA354909146.